The following is an entry in ClinVar:

ClinVar aggregate classification (germline): Benign/Likely benign. Review status: criteria provided, multiple submitters, no conflicts (2 of 4 stars). 4 submissions from 4 submitters: Benign (1); Likely benign (3). Last evaluated 2025-10-16.

Conditions:
Heterotopia, periventricular, X-linked dominant (PVNH1). Also called: PERIVENTRICULAR NODULAR HETEROTOPIA 4; HETEROTOPIA, PERIVENTRICULAR, 1; PERIVENTRICULAR NODULAR HETEROTOPIA 1; X-linked periventricular heterotopia. Identifiers: Orphanet 2149, Orphanet 82004, MedGen C1848213, MONDO:0010233, OMIM 300049.
Frontometaphyseal dysplasia (FMD1). Identifiers: Orphanet 1826, MedGen C0265293, MONDO:0015942.
Oto-palato-digital syndrome, type II (OPD2). Also called: Otopalatodigital Syndrome, Type II; Otopalatodigital Syndrome Type 2 (FLNA-OPD2); OPD II SYNDROME; FACIOPALATOOSSEOUS SYNDROME. Identifiers: Orphanet 669, Orphanet 90652, MedGen C1844696, MONDO:0010571, OMIM 304120.
Melnick-Needles syndrome (MNS). Also called: Melnick-Needles Syndrome (FLNA-MNS); MELNICK-NEEDLES OSTEODYSPLASTY; OSTEODYSPLASTY OF MELNICK AND NEEDLES. Identifiers: Orphanet 2484, MedGen C0025237, MONDO:0010650, OMIM 309350.

Allele frequency attached by ClinVar (database versions not stated): TOPMed 0.00006; gnomAD 0.00009.
gnomAD v4.1: 105 of 1,199,561 alleles (0.0088%); highest among the groups gnomAD compares: African/African-American, 0.0087%; no homozygotes.

Submissions (4):

Labcorp Genetics (formerly Invitae), Labcorp
Classification: Benign for Oto-palato-digital syndrome, type II; Heterotopia, periventricular, X-linked dominant; Frontometaphyseal dysplasia; Melnick-Needles syndrome. Last evaluated: 2025-10-16. Review status: criteria provided, single submitter. Criteria: Invitae Variant Classification Sherloc (09022015). Collection method: clinical testing. Allele origin: germline.

Blueprint Genetics
Classification: Likely benign. Last evaluated: 2021-11-20. Review status: criteria provided, single submitter. Criteria: ACMG Guidelines, 2015. Collection method: clinical testing. Allele origin: germline.

GeneDx
Classification: Likely benign. Last evaluated: 2016-06-22. Review status: criteria provided, single submitter. Criteria: GeneDx Variant Classification (06012015). Collection method: clinical testing. Allele origin: germline. Affected: yes.
Comment: This variant is considered likely benign or benign based on one or more of the following criteria: it is a conservative change, it occurs at a poorly conserved position in the protein, it is predicted to be benign by multiple in silico algorithms, and/or has population frequency not consistent with disease.

Breakthrough Genomics
Classification: Likely benign. Review status: criteria provided, single submitter. Criteria: ACMG Guidelines, 2015. Collection method: not provided. Allele origin: germline. Inheritance: X-linked inheritance. Affected: yes.

NM_001110556.2(FLNA):c.7756+20G>A

Genes: FLNA (filamin A; minus strand), LOC107988032 (Xq28 proximal FLNA-EMD recombination region; plus strand). Cytogenetic location: Xq28.
Variant type: single nucleotide variant.
Coding change: c.7756+20G>A on transcript NM_001110556.2 (MANE Select); 20 bases into the intron after coding-DNA position 7756, G replaced by A.
Molecular consequence: intron variant.
Genome position (GRCh38, 1-based): chrX:154,349,342, C>T on the plus strand (G>A on the coding strand, the complement: FLNA is on the minus strand). VCF-style: chrX-154349342-C-T. GRCh37 (hg19) VCF-style: chrX-153577710-C-T.
Other names: c.7732+20G>A (NM_001456.4).
Identifiers: ClinVar variation 387162 (VCV000387162.11), dbSNP rs782395246, ClinGen allele CA10559842.